The following is an entry in ClinVar:

ClinVar aggregate classification (germline): Uncertain significance (1 of 4 stars; one submission).

Submission:

Labcorp Genetics (formerly Invitae), Labcorp
Classification: Uncertain significance. Last evaluated: 2022-06-13. Review status: criteria provided, single submitter. Criteria: Invitae Variant Classification Sherloc (09022015). Collection method: clinical testing. Allele origin: germline.
Comment: This variant has not been reported in the literature in individuals affected with MPDZ-related conditions. This variant is not present in population databases (gnomAD no frequency). This sequence change replaces arginine, which is basic and polar, with threonine, which is neutral and polar, at codon 323 of the MPDZ protein (p.Arg323Thr). Algorithms developed to predict the effect of missense changes on protein structure and function (SIFT, PolyPhen-2, Align-GVGD) all suggest that this variant is likely to be disruptive. In summary, the available evidence is currently insufficient to determine the role of this variant in disease. Therefore, it has been classified as a Variant of Uncertain Significance.

NM_001378778.1(MPDZ):c.968G>C (p.Arg323Thr)

Gene: MPDZ (multiple PDZ domain crumbs cell polarity complex component; minus strand). Cytogenetic location: 9p23.
Variant type: single nucleotide variant.
Coding change: c.968G>C on transcript NM_001378778.1 (MANE Select); coding-DNA position 968, G replaced by C.
Protein change: p.Arg323Thr; replaces arginine 323 with threonine.
Molecular consequence: missense variant.
Genome position (GRCh38, 1-based): chr9:13,219,677, C>G on the plus strand (G>C on the coding strand, the complement: MPDZ is on the minus strand). VCF-style: chr9-13219677-C-G. GRCh37 (hg19) VCF-style: chr9-13219676-C-G.
Other names: c.968G>C, p.Arg323Thr (NM_001261406.2, NM_001261407.2, NM_001330637.2 and 14 more transcripts); short protein forms R323T.
Identifiers: ClinVar variation 1497154 (VCV001497154.8), dbSNP rs2136220804, ClinGen allele CA372945707.